The following is an entry in ClinVar:

ClinVar aggregate classification (germline): Uncertain significance. Review status: criteria provided, multiple submitters, no conflicts (2 of 4 stars). 3 submissions from 3 submitters: Uncertain significance (3). Last evaluated 2024-12-05.

Conditions:
Hereditary cancer-predisposing syndrome. Also called: Neoplastic Syndromes, Hereditary; Tumor predisposition; Hereditary Cancer Syndrome; Hereditary neoplastic syndrome. Identifiers: Orphanet 140162, MedGen C0027672, MeSH D009386, MONDO:0015356.
Generalized juvenile polyposis/juvenile polyposis coli. Also called: Juvenile polyposis coli. Identifiers: Orphanet 329971, MedGen C1868081, MONDO:0008276.

Allele frequency attached by ClinVar (database versions not stated): TOPMed 0.00001.

Submissions (3):

Molecular Pathology, Peter Maccallum Cancer Centre
Classification: Uncertain significance for Generalized juvenile polyposis/juvenile polyposis coli. Last evaluated: 2024-12-05. Review status: criteria provided, single submitter. Criteria: ACMG Guidelines, 2015. Collection method: clinical testing. Allele origin: germline. Inheritance: Autosomal dominant inheritance.

Color Diagnostics, LLC DBA Color Health
Classification: Uncertain significance for Hereditary cancer-predisposing syndrome. Last evaluated: 2023-06-20. Review status: criteria provided, single submitter. Criteria: ACMG Guidelines, 2015. Collection method: clinical testing. Allele origin: germline.
Comment: This missense variant replaces leucine with proline at codon 118 of the BMPR1A protein. Computational prediction suggests that this variant may not impact protein structure and function (internally defined REVEL score threshold <= 0.5, PMID: 27666373). To our knowledge, functional studies have not been reported for this variant. This variant has not been reported in individuals affected with BMPR1A-related disorders in the literature. This variant has not been identified in the general population by the Genome Aggregation Database (gnomAD). The available evidence is insufficient to determine the role of this variant in disease conclusively. Therefore, this variant is classified as a Variant of Uncertain Significance.

Ambry Genetics
Classification: Uncertain significance for Hereditary cancer-predisposing syndrome. Last evaluated: 2022-05-16. Review status: criteria provided, single submitter. Criteria: Ambry Variant Classification Scheme 2023. Collection method: clinical testing. Allele origin: germline.
Comment: The p.L118P variant (also known as c.353T>C), located in coding exon 4 of the BMPR1A gene, results from a T to C substitution at nucleotide position 353. The leucine at codon 118 is replaced by proline, an amino acid with similar properties. This amino acid position is conserved. In addition, the in silico prediction for this alteration is inconclusive. Since supporting evidence is limited at this time, the clinical significance of this alteration remains unclear.

NM_004329.3(BMPR1A):c.353T>C (p.Leu118Pro)

Gene: BMPR1A (bone morphogenetic protein receptor type 1A; plus strand). Cytogenetic location: 10q23.2.
Variant type: single nucleotide variant.
Coding change: c.353T>C on transcript NM_004329.3 (MANE Select); coding-DNA position 353, T replaced by C.
Protein change: p.Leu118Pro; replaces leucine 118 with proline.
Molecular consequence: missense variant.
Genome position (GRCh38, 1-based): chr10:86,899,813, T>C. VCF-style: chr10-86899813-T-C. GRCh37 (hg19) VCF-style: chr10-88659570-T-C.
Other names: c.353T>C, p.Leu118Pro (NM_001406559.1, NM_001406560.1, NM_001406561.1 and 22 more transcripts); c.269T>C, p.Leu90Pro (NM_001406584.1, NM_001406585.1, NM_001406586.1 and 2 more transcripts); short protein forms L90P, L118P.
Identifiers: ClinVar variation 1732455 (VCV001732455.4), dbSNP rs1843279920, ClinGen allele CA377449349.
Genomic context (GRCh38, chr10:86,899,813, plus strand): 5'-ATACCAAACCATTTCTAATTTTATCATTACTCTTCTTTTAGGATTCTCCAAAAGCCCAGC[T>C]ACGCCGGACAATAGAATGTTGTCGGACCAATTTATGTAACCAGTATTTGCAACCCACACT-3'
Protein context (NP_004320.2, residues 108-128): FQCKDSPKAQ[Leu118Pro]RRTIECCRTN